The following is an entry in ClinVar:

NM_004336.5(BUB1):c.351T>A (p.His117Gln)

Gene: BUB1 (BUB1 mitotic checkpoint serine/threonine kinase; minus strand). Cytogenetic location: 2q13.
Variant type: single nucleotide variant.
Coding change: c.351T>A on transcript NM_004336.5 (MANE Select); coding-DNA position 351, T replaced by A.
Protein change: p.His117Gln; replaces histidine 117 with glutamine.
Molecular consequence: missense variant.
Genome position (GRCh38, 1-based): chr2:110,672,732, A>T on the plus strand (T>A on the coding strand, the complement: BUB1 is on the minus strand). VCF-style: chr2-110672732-A-T. GRCh37 (hg19) VCF-style: chr2-111430309-A-T.
Other names: c.291T>A, p.His97Gln (NM_001278616.2); c.351T>A, p.His117Gln (NM_001278617.2); short protein forms H117Q, H97Q.
Identifiers: ClinVar variation 3262103 (VCV003262103.1).
Genomic context (GRCh38, chr2:110,672,732, plus strand): 5'-TTGCAGGAACTCTCTGGGTTCAGCCTGGTTTTGAATTCCTCTCTGAAGGACAGCACTGGC[A>T]TGCTGCAGCTCTCCTTGGGCTTCCAGATGCCCCGCCCAGGCAATGTACAGAGGGGATGAC-3'
Protein context (NP_004327.1, residues 107-127): GHLEAQGELQ[His117Gln]ASAVLQRGIQ

ClinVar aggregate classification (germline): Uncertain significance (1 of 4 stars; one submission).

Submission:

Ambry Genetics
Classification: Uncertain significance. Last evaluated: 2024-03-19. Review status: criteria provided, single submitter. Criteria: Ambry Variant Classification Scheme 2023. Collection method: clinical testing. Allele origin: germline.
Comment: The p.H117Q variant (also known as c.351T>A), located in coding exon 4 of the BUB1 gene, results from a T to A substitution at nucleotide position 351. The histidine at codon 117 is replaced by glutamine, an amino acid with highly similar properties. This amino acid position is conserved. In addition, this alteration is predicted to be tolerated by in silico analysis. Based on the available evidence, the clinical significance of this alteration remains unclear.